The following is an entry in ClinVar:

ClinVar aggregate classification (germline): Conflicting classifications of pathogenicity. Review status: criteria provided, conflicting classifications (1 of 4 stars). 2 submissions from 2 submitters: Pathogenic (1); Uncertain significance (1). Last evaluated 2026-09-08.

Conditions:
Fabry disease. Also called: Fabry's disease; GLA DEFICIENCY; HEREDITARY DYSTOPIC LIPIDOSIS; ANDERSON-FABRY DISEASE; CERAMIDE TRIHEXOSIDASE DEFICIENCY; Ceramide trihexosidosis. Identifiers: Orphanet 324, MedGen C0002986, MONDO:0010526, OMIM 301500, HP:0001071. Disease mechanism: loss of function, Fabry disease is due to inactivating mutations in the X-linked GLA gene resulting in deficiency of the enzyme Alpha Galactosidase-A..

Submissions (2):

Genomenon, Inc
Classification: Pathogenic for Fabry disease. Last evaluated: 2026-09-08. Review status: criteria provided, single submitter. Criteria: Genomenon Sequence Variant Interpretation Standards - Updated. Collection method: curation. Allele origin: germline. Affected: yes.
Comment: GLA p.Pro40Ala (c.118C>G) is a missense variant that changes the amino acid at codon 40 from Proline to Alanine. This variant has been observed in at least one proband with clinical features consistent with Fabry disease (PMID:18509742). The variant was found to segregate with disease in at least one affected family (PMID:18509742). At least one functional study has demonstrated a substantial alteration in protein function relative to the wild-type (PMID:27657681). This variant is located in a mutational hotspot and/or important functional domain. It is absent or not present at a significant frequency in gnomAD. In silico models predict that this variant is possibly or probably damaging. In conclusion, we classify GLA p.Pro40Ala (c.118C>G) as a pathogenic variant.

Labcorp Genetics (formerly Invitae), Labcorp
Classification: Uncertain significance for Fabry disease. Last evaluated: 2022-09-06. Review status: criteria provided, single submitter. Criteria: Invitae Variant Classification Sherloc (09022015). Collection method: clinical testing. Allele origin: germline.
Comment: In summary, the available evidence is currently insufficient to determine the role of this variant in disease. Therefore, it has been classified as a Variant of Uncertain Significance. This variant disrupts the p.Pro40 amino acid residue in GLA. Other variant(s) that disrupt this residue have been determined to be pathogenic (PMID: 10916280, 12920095, 27356758). This suggests that this residue is clinically significant, and that variants that disrupt this residue are likely to be disease-causing. Algorithms developed to predict the effect of missense changes on protein structure and function (SIFT, PolyPhen-2, Align-GVGD) all suggest that this variant is likely to be disruptive. This missense change has been observed in individual(s) with Fabry disease (PMID: 19320660; Invitae). This variant is not present in population databases (gnomAD no frequency). This sequence change replaces proline, which is neutral and non-polar, with alanine, which is neutral and non-polar, at codon 40 of the GLA protein (p.Pro40Ala).

Literature cited by the submitters: PubMed 18509742 (cited by Genomenon, Inc); PubMed 27657681 (cited by Genomenon, Inc); PubMed 10916280 (cited by Labcorp Genetics (formerly Invitae), Labcorp); PubMed 12920095 (cited by Labcorp Genetics (formerly Invitae), Labcorp); PubMed 27356758 (cited by Labcorp Genetics (formerly Invitae), Labcorp); PubMed 19320660 (cited by Labcorp Genetics (formerly Invitae), Labcorp).

NM_000169.3(GLA):c.118C>G (p.Pro40Ala)

Genes: GLA (galactosidase alpha; minus strand), RPL36A-HNRNPH2 (RPL36A-HNRNPH2 readthrough; plus strand). Cytogenetic location: Xq22.1.
Variant type: single nucleotide variant.
Coding change: c.118C>G on transcript NM_000169.3 (MANE Select); coding-DNA position 118, C replaced by G.
Protein change: p.Pro40Ala; replaces proline 40 with alanine.
Molecular consequence: missense variant. On other transcripts: non-coding transcript variant (3), intron variant (2).
Genome position (GRCh38, 1-based): chrX:101,407,786, G>C on the plus strand (C>G on the coding strand, the complement: GLA is on the minus strand). VCF-style: chrX-101407786-G-C. GRCh37 (hg19) VCF-style: chrX-100662774-G-C.
Other names: c.118C>G, p.Pro40Ala (NM_001406747.1, NM_001406748.1, NM_001406749.1); c.301-4150G>C (NM_001199973.2); c.178-4150G>C (NM_001199974.2); short protein forms P40A.
Identifiers: ClinVar variation 2138672 (VCV002138672.6), dbSNP rs104894831, ClinGen allele CA413937249.